The following is an entry in ClinVar:

NM_152564.5(VPS13B):c.6549T>G (p.Cys2183Trp)

Gene: VPS13B (vacuolar protein sorting 13 homolog B; plus strand). Cytogenetic location: 8q22.2.
Variant type: single nucleotide variant.
Coding change: c.6549T>G on transcript NM_152564.5 (MANE Select); coding-DNA position 6549, T replaced by G.
Protein change: p.Cys2183Trp; replaces cysteine 2183 with tryptophan.
Molecular consequence: missense variant.
Genome position (GRCh38, 1-based): chr8:99,717,265, T>G. VCF-style: chr8-99717265-T-G. GRCh37 (hg19) VCF-style: chr8-100729493-T-G.
Other names: c.6624T>G, p.Cys2208Trp (NM_017890.5); short protein forms C2183W, C2208W.
Identifiers: ClinVar variation 3358102 (VCV003358102.1).

ClinVar aggregate classification (germline): Uncertain significance (0 of 4 stars; one submission).

Conditions:
VPS13B-related disorder. Also called: VPS13B-related condition.

gnomAD v4.1: 1 of 1,614,106 alleles (0.000062%); highest among the groups gnomAD compares: Admixed American, 0.0017%; no homozygotes.

Submission:

PreventionGenetics, part of Exact Sciences
Classification: Uncertain significance for VPS13B-related condition. Last evaluated: 2024-04-10. Review status: no assertion criteria provided. Collection method: clinical testing. Allele origin: germline.
Comment: The VPS13B c.6549T>G variant is predicted to result in the amino acid substitution p.Cys2183Trp. To our knowledge, this variant has not been reported in the literature or in gnomAD, indicating this variant is rare. At this time, the clinical significance of this variant is uncertain due to the absence of conclusive functional and genetic evidence.